The following is an entry in ClinVar:

NM_001358530.2(MOCS1):c.1723G>A (p.Val575Met)

Gene: MOCS1 (molybdenum cofactor synthesis 1; minus strand). Cytogenetic location: 6p21.2.
Variant type: single nucleotide variant.
Coding change: c.1723G>A on transcript NM_001358530.2 (MANE Select); coding-DNA position 1723, G replaced by A.
Protein change: p.Val575Met; replaces valine 575 with methionine.
Molecular consequence: missense variant. On other transcripts: 3 prime UTR variant (4), non-coding transcript variant (1).
Genome position (GRCh38, 1-based): chr6:39,906,545, C>T on the plus strand (G>A on the coding strand, the complement: MOCS1 is on the minus strand). VCF-style: chr6-39906545-C-T. GRCh37 (hg19) VCF-style: chr6-39874321-C-T.
Other names: c.*580G>A (NM_001075098.4, NM_001358533.2, NM_001358534.2 and 1 more transcripts); c.1675G>A, p.Val559Met (NM_001358529.2); c.1462G>A, p.Val488Met (NM_001358531.2); short protein forms V575M, V559M, V488M.
Identifiers: ClinVar variation 1387605 (VCV001387605.3), dbSNP rs938403965, ClinGen allele CA137647221.
Genomic context (GRCh38, chr6:39,906,545, plus strand): 5'-TCAGGGCCTCCATCTCCACCCCGGTGGGGCCCCGAGCCCGGCAAGATGCCTGGATCTTCA[C>T]GGCATGGCGTGTGCTGTCCAGCTCCAGCTGCACCTGGATGTGGCTCAGGGCCACGTGGTG-3'
Protein context (NP_001345459.1, residues 565-585): QLELDSTRHA[Val575Met]KIQASCRARG

ClinVar aggregate classification (germline): Uncertain significance (1 of 4 stars; one submission).

Conditions:
Sulfite oxidase deficiency due to molybdenum cofactor deficiency type A. Also called: Molybdenum cofactor deficiency, complementation group A; Molybdenum Cofactor Deficiency A. Identifiers: Orphanet 308386, Orphanet 833, MedGen C1854988, MONDO:0009643, OMIM 252150.

Allele frequency attached by ClinVar (database versions not stated): TOPMed 0.00001.
gnomAD v4.1: 43 of 1,613,782 alleles (0.0027%); highest among the groups gnomAD compares: Middle Eastern, 0.016%; no homozygotes.

Submission:

Labcorp Genetics (formerly Invitae), Labcorp
Classification: Uncertain significance for Sulfite oxidase deficiency due to molybdenum cofactor deficiency type A. Last evaluated: 2022-08-22. Review status: criteria provided, single submitter. Criteria: Invitae Variant Classification Sherloc (09022015). Collection method: clinical testing. Allele origin: germline.
Comment: This sequence change replaces valine, which is neutral and non-polar, with methionine, which is neutral and non-polar, at codon 575 of the MOCS1 protein (p.Val575Met). This variant is not present in population databases (gnomAD no frequency). This variant has not been reported in the literature in individuals affected with MOCS1-related conditions. ClinVar contains an entry for this variant (Variation ID: 1387605). Algorithms developed to predict the effect of missense changes on protein structure and function are either unavailable or do not agree on the potential impact of this missense change (SIFT: "Not Available"; PolyPhen-2: "Probably Damaging"; Align-GVGD: "Not Available"). In summary, the available evidence is currently insufficient to determine the role of this variant in disease. Therefore, it has been classified as a Variant of Uncertain Significance.